The following is an entry in ClinVar:

NM_000074.3(CD40LG):c.335A>G (p.Glu112Gly)

Gene: CD40LG (CD40 ligand; plus strand). Cytogenetic location: Xq26.3.
Variant type: single nucleotide variant.
Coding change: c.335A>G on transcript NM_000074.3 (MANE Select); coding-DNA position 335, A replaced by G.
Protein change: p.Glu112Gly; replaces glutamic acid 112 with glycine.
Molecular consequence: missense variant.
Genome position (GRCh38, 1-based): chrX:136,654,419, A>G. VCF-style: chrX-136654419-A-G. GRCh37 (hg19) VCF-style: chrX-135736578-A-G.
Other names: short protein forms E112G.
Identifiers: ClinVar variation 2443091 (VCV002443091.5), dbSNP rs2522111690, ClinGen allele CA414754824.
Genomic context (GRCh38, chrX:136,654,419, plus strand): 5'-GCTTCTTATTTTAGGATATAATGTTAAACAAAGAGGAGACGAAGAAAGAAAACAGCTTTG[A>G]AATGCAAAAAGGTAGGTTTGCTATTTGCTAATTTCTATGAATGCCTAAAAACTAAAAGGA-3'
Protein context (NP_000065.1, residues 102-122): KEETKKENSF[Glu112Gly]MQKGDQNPQI

ClinVar aggregate classification (germline): Uncertain significance. Review status: criteria provided, multiple submitters, no conflicts (2 of 4 stars). 4 submissions from 4 submitters: Uncertain significance (3). 1 of the submissions does not count toward it. Last evaluated 2025-01-13.

Submissions (4):

GeneDx
Classification: Uncertain significance. Last evaluated: 2025-01-13. Review status: criteria provided, single submitter. Criteria: GeneDx Variant Classification Process June 2021. Collection method: clinical testing. Allele origin: germline. Affected: yes.
Comment: Not observed at significant frequency in large population cohorts (gnomAD); In silico analysis supports that this missense variant has a deleterious effect on protein structure/function; Has not been previously published as pathogenic or benign to our knowledge

Women's Health and Genetics/Laboratory Corporation of America, LabCorp
Classification: Uncertain significance. Last evaluated: 2023-07-24. Review status: criteria provided, single submitter. Criteria: LabCorp Variant Classification Summary - May 2015. Collection method: clinical testing. Allele origin: germline.

Blueprint Genetics
Classification: Uncertain significance. Last evaluated: 2022-07-28. Review status: criteria provided, single submitter. Criteria: ACMG Guidelines, 2015. Collection method: clinical testing. Allele origin: germline.

Genetic Services Laboratory, University of Chicago
Classification: Uncertain significance. Last evaluated: 2022-06-10. Review status: no assertion criteria provided. Collection method: clinical testing. Allele origin: germline. Affected: no. Not counted in ClinVar's aggregate classification.
Comment: DNA sequence analysis of the CD40LG gene demonstrated a sequence change, c.335A>G, in exon 3 that results in an amino acid change, p.Glu112Gly. This sequence change does not appear to have been previously described in individuals with CD40LG-related disorders and has also not been described in population databases such as ExAC and gnomAD. The p.Glu112Gly change affects a moderately conserved amino acid residue located in a domain of the CD40LG protein that is known to be functional. The p.Glu112Gly substitution appears to be benign using several in-silico pathogenicity prediction tools (SIFT, PolyPhen2, Align GVGD, REVEL). Due to insufficient evidences and the lack of functional studies, the clinical significance of the p.Glu112Gly change remains unknown at this time.